The following is an entry in ClinVar:

NM_007255.3(B4GALT7):c.811A>C (p.Ile271Leu)

Gene: B4GALT7 (beta-1,4-galactosyltransferase 7; plus strand). Cytogenetic location: 5q35.3.
Variant type: single nucleotide variant.
Coding change: c.811A>C on transcript NM_007255.3 (MANE Select); coding-DNA position 811, A replaced by C.
Protein change: p.Ile271Leu; replaces isoleucine 271 with leucine.
Molecular consequence: missense variant.
Genome position (GRCh38, 1-based): chr5:177,608,997, A>C. VCF-style: chr5-177608997-A-C. GRCh37 (hg19) VCF-style: chr5-177035998-A-C.
Other names: p.Ile271Leu; short protein forms I271L.
Identifiers: ClinVar variation 1208774 (VCV001208774.9), dbSNP rs143680535, ClinGen allele CA132896883.

ClinVar aggregate classification (germline): Uncertain significance. Review status: criteria provided, multiple submitters, no conflicts (2 of 4 stars). 5 submissions from 5 submitters: Uncertain significance (5). Last evaluated 2026-03-09.

Conditions:
Spondylodysplastic Ehlers-Danlos syndrome. Identifiers: Orphanet 536471, Orphanet 75496, MedGen C5680154, MONDO:0007526.
Inborn genetic diseases. Identifiers: MedGen C0950123, MeSH D030342.

Allele frequency attached by ClinVar (database versions not stated): gnomAD exomes below 0.00001; gnomAD 0.00001; ESP Exome Variant Server 0.00015; TOPMed 0.00002.
gnomAD v4.1: 8 of 1,611,938 alleles (0.0005%); highest among the groups gnomAD compares: African/African-American, 0.0013%; no homozygotes.

Submissions (5):

Women's Health and Genetics/Laboratory Corporation of America, LabCorp
Classification: Uncertain significance. Last evaluated: 2026-03-09. Review status: criteria provided, single submitter. Criteria: LabCorp Variant Classification Summary - May 2015. Collection method: clinical testing. Allele origin: germline.
Comment: Variant summary: B4GALT7 c.811A>C (p.Ile271Leu) results in a conservative amino acid change in the encoded protein sequence. Algorithms developed to predict the effect of missense changes on protein structure and function are either unavailable or do not agree on the potential impact of this missense change. The variant was absent in 248774 control chromosomes. The available data on variant occurrences in the general population are insufficient to allow any conclusion about variant significance. To our knowledge, no occurrence of c.811A>C in individuals affected with B4GALT7-related conditions and no experimental evidence demonstrating its impact on protein function have been reported. ClinVar contains an entry for this variant (Variation ID: 1208774). Based on the evidence outlined above, the variant was classified as uncertain significance.

Ambry Genetics
Classification: Uncertain significance for Inborn genetic diseases. Last evaluated: 2025-07-13. Review status: criteria provided, single submitter. Criteria: Ambry Variant Classification Scheme 2023. Collection method: clinical testing. Allele origin: germline.

Mayo Clinic Laboratories, Mayo Clinic
Classification: Uncertain significance. Last evaluated: 2023-05-25. Review status: criteria provided, single submitter. Criteria: ACMG Guidelines, 2015. Collection method: clinical testing. Allele origin: germline. Observed: 1 variant allele.
Comment: BP4

Labcorp Genetics (formerly Invitae), Labcorp
Classification: Uncertain significance for Spondylodysplastic Ehlers-Danlos syndrome. Last evaluated: 2021-10-14. Review status: criteria provided, single submitter. Criteria: Invitae Variant Classification Sherloc (09022015). Collection method: clinical testing. Allele origin: germline.
Comment: This sequence change replaces isoleucine with leucine at codon 271 of the B4GALT7 protein (p.Ile271Leu). The isoleucine residue is moderately conserved and there is a small physicochemical difference between isoleucine and leucine. This variant is not present in population databases (ExAC no frequency). This variant has not been reported in the literature in individuals affected with B4GALT7-related conditions. ClinVar contains an entry for this variant (Variation ID: 1208774). Algorithms developed to predict the effect of missense changes on protein structure and function (SIFT, PolyPhen-2, Align-GVGD) all suggest that this variant is likely to be tolerated. In summary, the available evidence is currently insufficient to determine the role of this variant in disease. Therefore, it has been classified as a Variant of Uncertain Significance.

GeneDx
Classification: Uncertain significance. Last evaluated: 2020-09-30. Review status: criteria provided, single submitter. Criteria: GeneDx Variant Classification Process June 2021. Collection method: clinical testing. Allele origin: germline. Affected: yes.
Comment: Not observed at a significant frequency in large population cohorts (Lek et al., 2016); In silico analysis supports that this missense variant does not alter protein structure/function; Has not been previously published as pathogenic or benign to our knowledge